The following is an entry in ClinVar:

NM_021815.5(SLC5A7):c.607G>C (p.Val203Leu)

Gene: SLC5A7 (solute carrier family 5 member 7; plus strand). Cytogenetic location: 2q12.3.
Variant type: single nucleotide variant.
Coding change: c.607G>C on transcript NM_021815.5 (MANE Select); coding-DNA position 607, G replaced by C.
Protein change: p.Val203Leu; replaces valine 203 with leucine.
Molecular consequence: missense variant. On other transcripts: intron variant (1).
Genome position (GRCh38, 1-based): chr2:108,001,906, G>C. VCF-style: chr2-108001906-G-C. GRCh37 (hg19) VCF-style: chr2-108618362-G-C.
Other names: c.607G>C, p.Val203Leu (NM_001305005.3); c.292G>C, p.Val98Leu (NM_001305006.3); c.-107-28G>C (NM_001305007.3); short protein forms V203L, V98L.
Identifiers: ClinVar variation 2100358 (VCV002100358.4), dbSNP rs1407757845, ClinGen allele CA348112726.

ClinVar aggregate classification (germline): Uncertain significance (1 of 4 stars; one submission).

Conditions:
Neuronopathy, distal hereditary motor, type 7A. Also called: SPINAL MUSCULAR ATROPHY, DISTAL, WITH VOCAL CORD PARALYSIS; Neuronopathy, distal hereditary motor, type viia; HARPER-YOUNG MYOPATHY; HMN VIIA; NEURONOPATHY, DISTAL HEREDITARY MOTOR, HARDING TYPE VIIA; NEUROPATHY, DISTAL HEREDITARY MOTOR, HARDING TYPE VIIA. Identifiers: Orphanet 139589, MedGen C1834703, MONDO:0008024, OMIM 158580.
Congenital myasthenic syndrome 20. Also called: Myasthenic syndrome, congenital, 20, presynaptic. Identifiers: MedGen C4310694, MONDO:0014939, OMIM 617143.

Submission:

Labcorp Genetics (formerly Invitae), Labcorp
Classification: Uncertain significance for Neuronopathy, distal hereditary motor, type 7A; Congenital myasthenic syndrome 20. Last evaluated: 2022-02-20. Review status: criteria provided, single submitter. Criteria: Invitae Variant Classification Sherloc (09022015). Collection method: clinical testing. Allele origin: germline.
Comment: This sequence change replaces valine, which is neutral and non-polar, with leucine, which is neutral and non-polar, at codon 203 of the SLC5A7 protein (p.Val203Leu). This variant is not present in population databases (gnomAD no frequency). This variant has not been reported in the literature in individuals affected with SLC5A7-related conditions. Algorithms developed to predict the effect of missense changes on protein structure and function are either unavailable or do not agree on the potential impact of this missense change (SIFT: "Deleterious"; PolyPhen-2: "Benign"; Align-GVGD: "Class C0"). Algorithms developed to predict the effect of sequence changes on RNA splicing suggest that this variant may disrupt the consensus splice site. In summary, the available evidence is currently insufficient to determine the role of this variant in disease. Therefore, it has been classified as a Variant of Uncertain Significance.